The following is an entry in ClinVar:

ClinVar aggregate classification (germline): Uncertain significance (1 of 4 stars; one submission).

Conditions:
Neurodevelopmental disorder with or without hyperkinetic movements and seizures, autosomal dominant. Also called: Intellectual disability, autosomal dominant 8. Identifiers: MedGen C3280282, MONDO:0013655, OMIM 614254.

Submission:

Labcorp Genetics (formerly Invitae), Labcorp
Classification: Uncertain significance for Neurodevelopmental disorder with or without hyperkinetic movements and seizures, autosomal dominant. Last evaluated: 2026-01-26. Review status: criteria provided, single submitter. Criteria: Invitae Variant Classification Sherloc (09022015). Collection method: clinical testing. Allele origin: germline.
Comment: This sequence change replaces lysine, which is basic and polar, with asparagine, which is neutral and polar, at codon 347 of the GRIN1 protein (p.Lys347Asn). This variant is not present in population databases (gnomAD no frequency). This variant has not been reported in the literature in individuals affected with GRIN1-related conditions. ClinVar contains an entry for this variant (Variation ID: 2831658). Invitae Evidence Modeling of protein sequence and biophysical properties (such as structural, functional, and spatial information, amino acid conservation, physicochemical variation, residue mobility, and thermodynamic stability) has been performed for this missense variant. However, the output from this modeling did not meet the statistical confidence thresholds required to predict the impact of this variant on GRIN1 protein function. In summary, the available evidence is currently insufficient to determine the role of this variant in disease. Therefore, it has been classified as a Variant of Uncertain Significance.

NM_007327.4(GRIN1):c.1041G>T (p.Lys347Asn)

Gene: GRIN1 (glutamate ionotropic receptor NMDA type subunit 1; plus strand). Cytogenetic location: 9q34.3.
Variant type: single nucleotide variant.
Coding change: c.1041G>T on transcript NM_007327.4 (MANE Select); coding-DNA position 1041, G replaced by T.
Protein change: p.Lys347Asn; replaces lysine 347 with asparagine.
Molecular consequence: missense variant.
Genome position (GRCh38, 1-based): chr9:137,158,451, G>T. VCF-style: chr9-137158451-G-T. GRCh37 (hg19) VCF-style: chr9-140052903-G-T.
Other names: c.1041G>T, p.Lys347Asn (NM_000832.7, NM_021569.4); c.1104G>T, p.Lys368Asn (NM_001185090.2, NM_001185091.2); short protein forms K368N, K347N.
Identifiers: ClinVar variation 2831658 (VCV002831658.3), dbSNP rs2538608336, ClinGen allele CA375715446.
Genomic context (GRCh38, chr9:137,158,451, plus strand): 5'-TTCCAAGTATGCGGATGGGGTGACTGGTCGCGTGGAGTTCAATGAGGATGGGGACCGGAA[G>T]TTCGCCAACTACAGCATCATGAACCTGCAGAACCGCAAGCTGGTGCAAGTGGGCATCTAC-3'
Protein context (NP_015566.1, residues 337-357): RVEFNEDGDR[Lys347Asn]FANYSIMNLQ